The following is an entry in ClinVar:

NM_007294.4(BRCA1):c.5422G>T (p.Val1808Leu)

Gene: BRCA1 (BRCA1 DNA repair associated; minus strand). Cytogenetic location: 17q21.31.
Variant type: single nucleotide variant.
Coding change: c.5422G>T on transcript NM_007294.4 (MANE Select); coding-DNA position 5422, G replaced by T.
Protein change: p.Val1808Leu; replaces valine 1808 with leucine.
Molecular consequence: missense variant. On other transcripts: non-coding transcript variant (1).
Genome position (GRCh38, 1-based): chr17:43,047,688, C>A on the plus strand (G>T on the coding strand, the complement: BRCA1 is on the minus strand). VCF-style: chr17-43047688-C-A. GRCh37 (hg19) VCF-style: chr17-41199705-C-A.
Other names: p.Val1808Leu; c.5209G>T, p.Val1737Leu (NM_001407571.1, NM_001407897.1, NM_001407898.1 and 12 more transcripts); c.5488G>T, p.Val1830Leu (NM_001407581.1, NM_001407582.1); c.5485G>T, p.Val1829Leu (NM_001407583.1, NM_001407585.1, NM_001407587.1 and 1 more transcripts); c.5482G>T, p.Val1828Leu (NM_001407590.1, NM_001407591.1); c.5422G>T, p.Val1808Leu (NM_001407593.1, NM_001407594.1, NM_001407596.1 and 5 more transcripts); c.5419G>T, p.Val1807Leu (NM_001407610.1, NM_001407611.1, NM_001407612.1 and 14 more transcripts); c.5416G>T, p.Val1806Leu (NM_001407627.1, NM_001407628.1, NM_001407629.1 and 13 more transcripts); and 84 more; short protein forms V1808L, C679F, V1761L, V1829L, V704L, C1740F, C1741F, C1783F.
Identifiers: ClinVar variation 489731 (VCV000489731.22), dbSNP rs1555574756, ClinGen allele CA10590599.

ClinVar aggregate classification (germline): Conflicting classifications of pathogenicity. Review status: criteria provided, conflicting classifications (1 of 4 stars). 5 submissions from 5 submitters: Uncertain significance (4); Likely benign (1). Last evaluated 2023-12-13.

Conditions:
Familial cancer of breast. Also called: BREAST CANCER, FAMILIAL; Hereditary breast cancer; hereditary breast carcinoma. Identifiers: Orphanet 227535, MedGen C0346153, MONDO:0016419, OMIM 114480. Disease mechanism: loss of function.
Hereditary breast ovarian cancer syndrome. Also called: Breast and ovarian cancer; Hereditary breast and/or ovarian cancer syndrome; BRCA1- and BRCA2-Associated Hereditary Breast and Ovarian Cancer; Hereditary breast and ovarian cancer syndrome; Hereditary breast and ovarian cancer syndrome (HBOC); Hereditary breast and ovarian cancer. Identifiers: Orphanet 145, MedGen C0677776, MeSH D061325, MONDO:0003582. Disease mechanism: loss of function.
Breast-ovarian cancer, familial, susceptibility to, 1 (BROVCA1). Also called: BRCA1 Hereditary Breast and Ovarian Cancer; OVARIAN CANCER, SUSCEPTIBILITY TO. Identifiers: Orphanet 145, MedGen C2676676, MONDO:0011450, OMIM 604370. Disease mechanism: loss of function.
Hereditary cancer-predisposing syndrome. Also called: Tumor predisposition; Hereditary Cancer Syndrome; Hereditary neoplastic syndrome; Neoplastic Syndromes, Hereditary. Identifiers: Orphanet 140162, MedGen C0027672, MeSH D009386, MONDO:0015356.

Submissions (5):

Labcorp Genetics (formerly Invitae), Labcorp
Classification: Uncertain significance for Hereditary breast ovarian cancer syndrome. Last evaluated: 2023-12-13. Review status: criteria provided, single submitter. Criteria: Invitae Variant Classification Sherloc (09022015). Collection method: clinical testing. Allele origin: germline.
Comment: This sequence change replaces valine, which is neutral and non-polar, with leucine, which is neutral and non-polar, at codon 1808 of the BRCA1 protein (p.Val1808Leu). This variant is not present in population databases (gnomAD no frequency). This variant has not been reported in the literature in individuals affected with BRCA1-related conditions. ClinVar contains an entry for this variant (Variation ID: 489731). Advanced modeling performed at Invitae incorporating data from internal and/or published experimental studies (PMID: 30209399) indicates that this missense variant is not expected to disrupt BRCA1 function with a negative predictive value of 95%. Algorithms developed to predict the effect of sequence changes on RNA splicing suggest that this variant may disrupt the consensus splice site. In summary, the available evidence is currently insufficient to determine the role of this variant in disease. Therefore, it has been classified as a Variant of Uncertain Significance.

Petrovsky National Research Centre of Surgery, The Federal Agency for Scientific Organizations
Classification: Uncertain significance for Familial cancer of breast. Last evaluated: 2023-10-23. Review status: criteria provided, single submitter. Criteria: ACMG Guidelines, 2015. Collection method: clinical testing. Allele origin: germline. Affected: yes.
Comment: This variant is absent in The Genome Aggregation Database (gnomAD) v2.1.1 and v.3.1.2 (Date of access with 23-10-2023). Clinvar contains an entry for this variant (Variation ID: 489731). This variant has not been reported in any study to our knowledge. Functional analysis of an alternative change c.5422G>C with the same protein change p.Val1808Leu shows normal functioning of the protein. Most in silico predictors are inconclusive in the results. In accordance with ACMG(2015) criteria this variant is classified as Variant of Uncertain Significance (VUS) with following criteria selected: BS3_moderate, PM2.

Baylor Genetics
Classification: Uncertain significance for Breast-ovarian cancer, familial, susceptibility to, 1. Last evaluated: 2023-05-01. Review status: criteria provided, single submitter. Criteria: ACMG Guidelines, 2015. Collection method: clinical testing. Allele origin: unknown.

Color Diagnostics, LLC DBA Color Health
Classification: Uncertain significance for Hereditary cancer-predisposing syndrome. Last evaluated: 2022-10-25. Review status: criteria provided, single submitter. Criteria: ACMG Guidelines, 2015. Collection method: clinical testing. Allele origin: germline.
Comment: This missense variant replaces valine with leucine at codon 1808 of the BRCA1 protein. Computational prediction is inconclusive regarding the impact of this variant on protein structure and function (internally defined REVEL score threshold 0.5 < inconclusive < 0.7, PMID: 27666373). To our knowledge, functional studies have not been reported for this variant. This variant has not been reported in individuals affected with hereditary cancer in the literature. This variant has not been identified in the general population by the Genome Aggregation Database (gnomAD). The available evidence is insufficient to determine the role of this variant in disease conclusively. Therefore, this variant is classified as a Variant of Uncertain Significance.

Ambry Genetics
Classification: Likely benign for Hereditary cancer-predisposing syndrome. Last evaluated: 2020-03-25. Review status: criteria provided, single submitter. Criteria: Ambry Variant Classification Scheme 2023. Collection method: clinical testing. Allele origin: germline.

Literature cited by the submitters: PubMed 30209399 (cited by Labcorp Genetics (formerly Invitae), Labcorp and Ambry Genetics).